The following is an entry in ClinVar:

ClinVar aggregate classification (germline): Uncertain significance (1 of 4 stars; one submission).

Allele frequency attached by ClinVar (database versions not stated): TOPMed below 0.00001; ExAC 0.00001; gnomAD exomes 0.00001; gnomAD 0.00002.
gnomAD v4.1: 11 of 1,367,448 alleles (0.0008%); highest among the groups gnomAD compares: Non-Finnish European, 0.00098%; no homozygotes.

Submission:

Labcorp Genetics (formerly Invitae), Labcorp
Classification: Uncertain significance. Last evaluated: 2024-12-05. Review status: criteria provided, single submitter. Criteria: Invitae Variant Classification Sherloc (09022015). Collection method: clinical testing. Allele origin: germline.
Comment: This sequence change replaces leucine, which is neutral and non-polar, with phenylalanine, which is neutral and non-polar, at codon 1501 of the ERCC6L2 protein (p.Leu1501Phe). This variant is present in population databases (rs779636741, gnomAD 0.006%). This variant has not been reported in the literature in individuals affected with ERCC6L2-related conditions. ClinVar contains an entry for this variant (Variation ID: 1912027). Experimental studies and prediction algorithms are not available or were not evaluated, and the functional significance of this variant is currently unknown. In summary, the available evidence is currently insufficient to determine the role of this variant in disease. Therefore, it has been classified as a Variant of Uncertain Significance.

NM_020207.7(ERCC6L2):c.4468C>T (p.Leu1490Phe)

Gene: ERCC6L2 (ERCC excision repair 6 like 2; plus strand). Cytogenetic location: 9q22.32.
Variant type: single nucleotide variant.
Coding change: c.4468C>T on transcript NM_020207.7 (MANE Select); coding-DNA position 4468, C replaced by T.
Protein change: p.Leu1490Phe; replaces leucine 1490 with phenylalanine.
Molecular consequence: missense variant. On other transcripts: non-coding transcript variant (1), intron variant (2).
Genome position (GRCh38, 1-based): chr9:96,013,018, C>T. VCF-style: chr9-96013018-C-T. GRCh37 (hg19) VCF-style: chr9-98775300-C-T.
Other names: c.3674+8317C>T (NM_001375291.1, NM_001375292.1); short protein forms L1490F.
Identifiers: ClinVar variation 1912027 (VCV001912027.5), dbSNP rs779636741, ClinGen allele CA5140112.
Genomic context (GRCh38, chr9:96,013,018, plus strand): 5'-AAAGCAAAACAGAGACCAAAAGATTTCTGGGACATCTTGAATGAGCAGAATGATGAGAGT[C>T]TTAGTAAACTCACAGACTTGGCAGTAATAGAGACTCTGTGTGAAAAAGCACCTCTAGCAG-3'
Protein context (NP_064592.3, residues 1480-1500): DILNEQNDES[Leu1490Phe]SKLTDLAVIE